The following is an entry in ClinVar:

NM_001369.3(DNAH5):c.11173_11174insCACTCAGCAGCACGACGAT (p.Asp3725fs)

Gene: DNAH5 (dynein axonemal heavy chain 5; minus strand). Cytogenetic location: 5p15.2.
Variant type: Insertion.
Coding change: c.11173_11174insCACTCAGCAGCACGACGAT on transcript NM_001369.3 (MANE Select); coding-DNA positions 11173 to 11174, CACTCAGCAGCACGACGAT inserted.
Protein change: p.Asp3725fs; shifts the reading frame from aspartic acid 3725.
Molecular consequence: frameshift variant.
Genome position: GRCh38 VCF-style: chr5-13751115-T-TATCGTCGTGCTGCTGAGTG. GRCh37 (hg19) VCF-style: chr5-13751224-T-TATCGTCGTGCTGCTGAGTG.
Other names: short protein forms D3725fs.
Identifiers: ClinVar variation 5010346 (VCV005010346.1).

ClinVar aggregate classification (germline): Pathogenic (1 of 4 stars; one submission).

Conditions:
Primary ciliary dyskinesia 3. Identifiers: Orphanet 244, MedGen C1837618, MONDO:0012085, OMIM 608644.

Submission:

Myriad Genetics, Inc.
Classification: Pathogenic for Primary ciliary dyskinesia 3. Last evaluated: 2024-05-14. Review status: criteria provided, single submitter. Criteria: Myriad Autosomal Dominant, Autosomal Recessive and X-Linked Classification Criteria (2023). Collection method: clinical testing. Allele origin: unknown.
Comment: NM_001369.2(DNAH5):c.11173_11174ins19(D3725Afs*45) is expected to be pathogenic in the context of primary ciliary dyskinesia, DNAH5-related. This variant is predicted to lead to an abnormal or absent protein product due to the creation of a premature termination codon in DNAH5, a gene where loss-of-function variants are known to be pathogenic. Please note: this variant was assessed in the context of healthy population screening.